The following is an entry in ClinVar:

NC_000006.11:g.(?_66200487)_(66205303_?)del

Gene: EYS (eyes shut homolog; minus strand). Cytogenetic location: 6q12.
Variant type: Deletion.
Identifiers: ClinVar variation 1074807 (VCV001074807.4).

ClinVar aggregate classification (germline): Pathogenic (1 of 4 stars; one submission).

Submission:

Labcorp Genetics (formerly Invitae), Labcorp
Classification: Pathogenic. Last evaluated: 2020-02-26. Review status: criteria provided, single submitter. Criteria: Invitae Variant Classification Sherloc (09022015). Collection method: clinical testing. Allele origin: germline.
Comment: This variant is a gross deletion of the genomic region encompassing exons 4-5 of the EYS gene, which includes the initiator codon. The 5' end of this event is unknown as it extends beyond the assayed region for this gene and therefore may encompass additional genes. The 3' boundary is likely confined to intron 5 of the EYS gene. This is expected to result in an absent or disrupted protein product. This variant has not been reported in the literature in individuals with EYS-related conditions. Loss-of-function variants in EYS are known to be pathogenic (PMID: 18836446, 20333770). For these reasons, this variant has been classified as Pathogenic.

Literature cited by the submitters: PubMed 18836446; PubMed 20333770.